The following is an entry in ClinVar:

NM_000252.3(MTM1):c.1300dup (p.Arg434fs)

Gene: MTM1 (myotubularin 1; plus strand). Cytogenetic location: Xq28.
Variant type: Duplication.
Coding change: c.1300dup on transcript NM_000252.3 (MANE Select); coding-DNA position 1300, one base duplicated (C; older notation c.1300dupC).
Protein change: p.Arg434fs; shifts the reading frame from arginine 434.
Molecular consequence: frameshift variant.
Genome position (GRCh38, 1-based): chrX:150,659,703, C duplicated; the last of 2 consecutive C bases (chrX:150,659,702-150,659,703); duplicating either gives the same sequence. VCF-style (leftmost placement, unchanged base first): chrX-150659701-A-AC. GRCh37 (hg19) VCF-style: chrX-149828174-A-AC.
Other names: c.1300dup, p.Arg434fs (NM_001376906.1, NM_001376908.1); c.1189dup, p.Arg397fs (NM_001376907.1); short protein forms R397fs, R434fs.
Identifiers: ClinVar variation 5011840 (VCV005011840.1).
Genomic context (GRCh38, chrX:150,659,701, plus strand): 5'-ATTATCTTCATCAATTTATTCAGCGAATAGGTCATGGTGATAAAAACCACACCGATGCTG[A>AC]CCGTTCTCCTATTTTTCTCCAGTTTATTGATTGTGTGTGGCAAATGTCAAAACAGGTAAG-3'

ClinVar aggregate classification (germline): Pathogenic (1 of 4 stars; one submission).

Conditions:
Severe X-linked myotubular myopathy (CNMX). Also called: X-linked centronuclear myopathy; MYOTUBULAR MYOPATHY 1; Myotubular myopathy, X-linked. Identifiers: Orphanet 596, MedGen C0410203, MONDO:0010683, OMIM 310400.

Submission:

Myriad Genetics, Inc.
Classification: Pathogenic for Severe X-linked myotubular myopathy. Last evaluated: 2023-09-27. Review status: criteria provided, single submitter. Criteria: Myriad Autosomal Dominant, Autosomal Recessive and X-Linked Classification Criteria (2023). Collection method: clinical testing. Allele origin: unknown.
Comment: NM_000252.2(MTM1):c.1300dupC(R434Pfs*10) is expected to be pathogenic in the context of X-linked myotubular myopathy. This variant is predicted to lead to an abnormal or absent protein product due to the creation of a premature termination codon in MTM1, a gene where loss-of-function variants are known to be pathogenic. Please note: this variant was assessed in the context of healthy population screening.